The following is an entry in ClinVar:

NM_001042492.3(NF1):c.5502A>G (p.Ser1834=)

Gene: NF1 (neurofibromin 1; plus strand). Cytogenetic location: 17q11.2.
Variant type: single nucleotide variant.
Coding change: c.5502A>G on transcript NM_001042492.3 (MANE Select); coding-DNA position 5502, A replaced by G.
Protein change: p.Ser1834=; no amino-acid change (serine 1834 retained).
Molecular consequence: synonymous variant.
Genome position (GRCh38, 1-based): chr17:31,327,732, A>G. VCF-style: chr17-31327732-A-G. GRCh37 (hg19) VCF-style: chr17-29654750-A-G.
Other names: c.5439A>G, p.Ser1813= (NM_000267.4).
Identifiers: ClinVar variation 795600 (VCV000795600.15), dbSNP rs747487014, ClinGen allele CA8487184.
Genomic context (GRCh38, chr17:31,327,732, plus strand): 5'-CCAGGAGTGTGAAGCCATTGTCCAGTCTATCATTCATATCCGGACCCGCTGGGAACTGTC[A>G]CAGCCCGACTCTATCCCCCAACACACCAAGATTCGGCCAAAAGATGTCCCTGGGACACTG-3'
Protein context (NP_001035957.1, residues 1824-1844): IIHIRTRWEL[Ser1834=]QPDSIPQHTK

ClinVar aggregate classification (germline): Benign/Likely benign. Review status: criteria provided, multiple submitters, no conflicts (2 of 4 stars). 4 submissions from 4 submitters: Benign (1); Likely benign (3). Last evaluated 2026-05-20.

Conditions:
Neurofibromatosis, type 1 (NF1). Also called: NEUROFIBROMATOSIS, TYPE I, SOMATIC; Peripheral type neurofibromatosis; VON RECKLINGHAUSEN DISEASE; Neurofibromatosis, type I. Identifiers: Orphanet 636, MedGen C0027831, MONDO:0018975, OMIM 162200. Disease mechanism: loss of function.
Cardiovascular phenotype. Identifiers: MedGen CN230736.
Hereditary cancer-predisposing syndrome. Also called: Tumor predisposition; Hereditary Cancer Syndrome; Hereditary neoplastic syndrome; Neoplastic Syndromes, Hereditary. Identifiers: Orphanet 140162, MedGen C0027672, MeSH D009386, MONDO:0015356.

Allele frequency attached by ClinVar (database versions not stated): TOPMed 0.00001; gnomAD exomes 0.00001 and below 0.00001; ExAC 0.00001.
gnomAD v4.1: 2 of 1,614,112 alleles (0.00012%); highest among the groups gnomAD compares: Admixed American, 0.0033%; no homozygotes.

Submissions (4):

Myriad Genetics, Inc.
Classification: Benign for Neurofibromatosis, type 1. Last evaluated: 2026-05-20. Review status: criteria provided, single submitter. Criteria: Myriad Autosomal Dominant, Autosomal Recessive and X-Linked Classification Criteria (2023). Collection method: clinical testing. Allele origin: unknown.
Comment: This variant is considered benign. This variant is a silent/synonymous amino acid change and it is not expected to impact splicing.

Labcorp Genetics (formerly Invitae), Labcorp
Classification: Likely benign for Neurofibromatosis, type 1. Last evaluated: 2025-10-24. Review status: criteria provided, single submitter. Criteria: Invitae Variant Classification Sherloc (09022015). Collection method: clinical testing. Allele origin: germline.

Genome-Nilou Lab
Classification: Likely benign for Neurofibromatosis, type 1. Last evaluated: 2022-03-15. Review status: criteria provided, single submitter. Criteria: ACMG Guidelines, 2015. Collection method: clinical testing. Allele origin: germline. Affected: no.

Ambry Genetics
Classification: Likely benign for Cardiovascular phenotype; Hereditary cancer-predisposing syndrome. Last evaluated: 2018-04-09. Review status: criteria provided, single submitter. Criteria: Ambry Variant Classification Scheme 2023. Collection method: clinical testing. Allele origin: germline.